The following is an entry in ClinVar:

ClinVar aggregate classification (germline): Uncertain significance. Review status: criteria provided, multiple submitters, no conflicts (2 of 4 stars). 3 submissions from 3 submitters: Uncertain significance (3). Last evaluated 2026-05-14.

Conditions:
Vertebral, cardiac, renal, and limb defects syndrome 3. Also called: CONGENITAL NAD DEFICIENCY DISORDER 3. Identifiers: MedGen C5394250, MONDO:0030077, OMIM 618845.

Allele frequency attached by ClinVar (database versions not stated): gnomAD exomes 0.00001; ExAC 0.00002; gnomAD 0.00003; TOPMed 0.00005; ESP Exome Variant Server 0.00015.
gnomAD v4.1: 16 of 1,614,074 alleles (0.00099%); highest among the groups gnomAD compares: African/African-American, 0.0067%; no homozygotes.

Submissions (3):

Greenwood Genetic Center Diagnostic Laboratories, Greenwood Genetic Center
Classification: Uncertain significance. Last evaluated: 2026-05-14. Review status: criteria provided, single submitter. Criteria: ACMG Guidelines, 2015. Collection method: clinical testing. Allele origin: germline.
Comment: PM2, PM3_Supporting

GeneDx
Classification: Uncertain significance. Last evaluated: 2023-05-01. Review status: criteria provided, single submitter. Criteria: GeneDx Variant Classification Process June 2021. Collection method: clinical testing. Allele origin: germline. Affected: yes.
Comment: In silico analysis supports that this missense variant has a deleterious effect on protein structure/function; Has not been previously published as pathogenic or benign to our knowledge

Revvity Omics, Revvity
Classification: Uncertain significance for Vertebral, cardiac, renal, and limb defects syndrome 3. Last evaluated: 2022-06-17. Review status: criteria provided, single submitter. Criteria: ACMG Guidelines, 2015. Collection method: clinical testing. Allele origin: germline.

NM_018161.5(NADSYN1):c.1621G>A (p.Gly541Arg)

Gene: NADSYN1 (NAD synthetase 1; plus strand). Cytogenetic location: 11q13.4.
Variant type: single nucleotide variant.
Coding change: c.1621G>A on transcript NM_018161.5 (MANE Select); coding-DNA position 1621, G replaced by A.
Protein change: p.Gly541Arg; replaces glycine 541 with arginine.
Molecular consequence: missense variant.
Genome position (GRCh38, 1-based): chr11:71,490,903, G>A. VCF-style: chr11-71490903-G-A. GRCh37 (hg19) VCF-style: chr11-71201949-G-A.
Other names: c.1621G>A (NM_018161.4); short protein forms G541R.
Identifiers: ClinVar variation 2434022 (VCV002434022.5), dbSNP rs373555596, ClinGen allele CA6163563.